The following is an entry in ClinVar:

ClinVar aggregate classification (germline): Uncertain significance. Review status: criteria provided, multiple submitters, no conflicts (2 of 4 stars). 2 submissions from 2 submitters: Uncertain significance (2). Last evaluated 2024-07-20.

Conditions:
Cardiovascular phenotype. Identifiers: MedGen CN230736.
Arrhythmogenic cardiomyopathy with wooly hair and keratoderma. Also called: PALMOPLANTAR KERATODERMA WITH LEFT VENTRICULAR CARDIOMYOPATHY AND WOOLLY HAIR; Arrhythmogenic cardiomyopathy with woolly hair and keratoderma; Dilated cardiomyopathy with woolly hair and keratoderma; Carvajal syndrome. Identifiers: Orphanet 65282, MedGen C1854063, MONDO:0011581, OMIM 605676.

Allele frequency attached by ClinVar (database versions not stated): gnomAD exomes below 0.00001.
gnomAD v4.1: 2 of 1,614,162 alleles (0.00012%); highest among the groups gnomAD compares: Non-Finnish European, 0.00017%; no homozygotes.

Submissions (2):

All of Us Research Program, National Institutes of Health
Classification: Uncertain significance for Arrhythmogenic cardiomyopathy with wooly hair and keratoderma. Last evaluated: 2024-07-20. Review status: criteria provided, single submitter. Criteria: ACMG Guidelines, 2015. Collection method: clinical testing. Allele origin: germline. Inheritance: Autosomal dominant inheritance. Observed: 1 variant allele, 1 heterozygote.
Comment: This missense variant replaces lysine with asparagine at codon 1444 of the DSP protein. Computational prediction suggests that this variant may not impact protein structure and function (internally defined REVEL score threshold <= 0.5, PMID: 27666373). To our knowledge, functional studies have not been reported for this variant. This variant has not been reported in individuals affected with DSP-related disorders in the literature. This variant has been identified in 1/251400 chromosomes in the general population by the Genome Aggregation Database (gnomAD). The available evidence is insufficient to determine the role of this variant in disease conclusively. Therefore, this variant is classified as a Variant of Uncertain Significance.

This study involves interpretation of variants in research participants for the purpose of population health screening. Participant phenotype was not available at the time of variant classification. Additional details can be found in publication PMID: 35346344, PMCID: PMC8962531

Ambry Genetics
Classification: Uncertain significance for Cardiovascular phenotype. Last evaluated: 2016-02-12. Review status: criteria provided, single submitter. Criteria: Ambry Variant Classification Scheme 2023. Collection method: clinical testing. Allele origin: germline.
Comment: The p.K1444N variant (also known as c.4332A>C), located in coding exon 23 of the DSP gene, results from an A to C substitution at nucleotide position 4332. The lysine at codon 1444 is replaced by asparagine, an amino acid with some similar properties. This variant was not reported in population based cohorts in the following databases: Database of Single Nucleotide Polymorphisms (dbSNP), NHLBI Exome Sequencing Project (ESP), and 1000 Genomes Project. In the ESP, this variant was not observed in 6503 samples (13006 alleles) with coverage at this position. This amino acid position is well conserved in available vertebrate species. In addition, the in silico prediction for this alteration is inconclusive. Since supporting evidence is limited at this time, the clinical significance of this alteration remains unclear.

NM_004415.4(DSP):c.4332A>C (p.Lys1444Asn)

Gene: DSP (desmoplakin; plus strand). Cytogenetic location: 6p24.3.
Variant type: single nucleotide variant.
Coding change: c.4332A>C on transcript NM_004415.4 (MANE Select); coding-DNA position 4332, A replaced by C.
Protein change: p.Lys1444Asn; replaces lysine 1444 with asparagine.
Molecular consequence: missense variant. On other transcripts: intron variant (2).
Genome position (GRCh38, 1-based): chr6:7,580,522, A>C. VCF-style: chr6-7580522-A-C. GRCh37 (hg19) VCF-style: chr6-7580755-A-C.
Other names: c.4332A>C (LRG_423t1); c.4050+282A>C (NM_001319034.2); c.3582+750A>C (NM_001008844.3); short protein forms K1444N.
Identifiers: ClinVar variation 519057 (VCV000519057.6), dbSNP rs1374798133, ClinGen allele CA362686072.
Genomic context (GRCh38, chr6:7,580,522, plus strand): 5'-GAGGGTGGAAGAAGACATCCAACAGCAAAAGGCCACTGGCTCTGAGGTGTCTCAGAGGAA[A>C]CAGCAGCTGGAGGTTGAGCTGAGACAAGTCACTCAGATGCGAACAGAGGAGAGCGTAAGA-3'
Protein context (NP_004406.2, residues 1434-1454): KATGSEVSQR[Lys1444Asn]QQLEVELRQV